The following is an entry in ClinVar:

ClinVar aggregate classification (germline): Likely benign. Review status: criteria provided, multiple submitters, no conflicts (2 of 4 stars). 2 submissions from 2 submitters: Likely benign (2). Last evaluated 2024-08-01.

Conditions:
Intellectual developmental disorder, autosomal dominant 6, with or without seizures. Also called: Intellectual disability, autosomal dominant 6; GRIN2B-related developmental delay, intellectual disability and autism spectrum disorder. Identifiers: Orphanet 589547, MedGen C3151411, MONDO:0013509, OMIM 613970.
Developmental and epileptic encephalopathy, 27 (DEE27). Also called: GRIN2B-Related Neurodevelopmental Disorder; Epileptic encephalopathy, early infantile, 27. Identifiers: Orphanet 3451, MedGen C4015316, MONDO:0014505, OMIM 616139.

Allele frequency attached by ClinVar (database versions not stated): gnomAD exomes 0.00004 and 0.00003; ExAC 0.00007.
gnomAD v4.1: 47 of 1,613,844 alleles (0.0029%); highest among the groups gnomAD compares: Non-Finnish European, 0.0039%; no homozygotes.

Submissions (2):

CeGaT Center for Human Genetics Tuebingen
Classification: Likely benign. Last evaluated: 2024-08-01. Review status: criteria provided, single submitter. Criteria: CeGaT Center For Human Genetics Tuebingen Variant Classification Criteria Version 2. Collection method: clinical testing. Allele origin: germline. Affected: yes. Observed: 2 variant alleles.
Comment: GRIN2B: BP4, BP7

Labcorp Genetics (formerly Invitae), Labcorp
Classification: Likely benign for Developmental and epileptic encephalopathy, 27; Intellectual developmental disorder, autosomal dominant 6, with or without seizures. Last evaluated: 2024-02-17. Review status: criteria provided, single submitter. Criteria: Invitae Variant Classification Sherloc (09022015). Collection method: clinical testing. Allele origin: germline.

NM_000834.5(GRIN2B):c.2661C>A (p.Pro887=)

Gene: GRIN2B (glutamate ionotropic receptor NMDA type subunit 2B; minus strand). Cytogenetic location: 12p13.1.
Variant type: single nucleotide variant.
Coding change: c.2661C>A on transcript NM_000834.5 (MANE Select); coding-DNA position 2661, C replaced by A.
Protein change: p.Pro887=; no amino-acid change (proline 887 retained).
Molecular consequence: synonymous variant.
Genome position (GRCh38, 1-based): chr12:13,564,577, G>T on the plus strand (C>A on the coding strand, the complement: GRIN2B is on the minus strand). VCF-style: chr12-13564577-G-T. GRCh37 (hg19) VCF-style: chr12-13717511-G-T.
Identifiers: ClinVar variation 1133487 (VCV001133487.39), dbSNP rs201157664, ClinGen allele CA6461004.